The following is an entry in ClinVar:

ClinVar aggregate classification (germline): Uncertain significance (1 of 4 stars; one submission).

Conditions:
Dilated cardiomyopathy 1G (CMD1G). Identifiers: Orphanet 154, MedGen C1858763, MONDO:0011400, OMIM 604145.
Autosomal recessive limb-girdle muscular dystrophy type 2J (LGMDR10). Also called: Limb-girdle muscular dystrophy, type 2J; MUSCULAR DYSTROPHY, LIMB-GIRDLE, AUTOSOMAL RECESSIVE 10. Identifiers: Orphanet 140922, MedGen C1837342, MONDO:0012127, OMIM 608807.

Allele frequency attached by ClinVar (database versions not stated): gnomAD exomes below 0.00001; TOPMed below 0.00001.
gnomAD v4.1: 1 of 1,613,974 alleles (0.000062%); highest among the groups gnomAD compares: Admixed American, 0.0017%; no homozygotes.

Submission:

Labcorp Genetics (formerly Invitae), Labcorp
Classification: Uncertain significance for Dilated cardiomyopathy 1G; Autosomal recessive limb-girdle muscular dystrophy type 2J. Last evaluated: 2023-11-05. Review status: criteria provided, single submitter. Criteria: Invitae Variant Classification Sherloc (09022015). Collection method: clinical testing. Allele origin: germline.
Comment: This sequence change replaces leucine, which is neutral and non-polar, with phenylalanine, which is neutral and non-polar, at codon 34655 of the TTN protein (p.Leu34655Phe). This variant is present in population databases (no rsID available, gnomAD 0.003%). This variant has not been reported in the literature in individuals affected with TTN-related conditions. Algorithms developed to predict the effect of missense changes on protein structure and function output the following: SIFT: "Not Available"; PolyPhen-2: "Not Available"; Align-GVGD: "Not Available". The phenylalanine amino acid residue is found in multiple mammalian species, which suggests that this missense change does not adversely affect protein function. This variant is located in the M band of TTN (PMID: 25589632). Variants in this region may be relevant for neuromuscular disorders, but have not been definitively shown to cause cardiomyopathy (PMID: 23975875). In summary, the available evidence is currently insufficient to determine the role of this variant in disease. Therefore, it has been classified as a Variant of Uncertain Significance.

Literature cited by the submitters: PubMed 25589632; PubMed 23975875.

NM_001267550.2(TTN):c.103963C>T (p.Leu34655Phe)

Genes: TTN (titin; minus strand), TTN-AS1 (TTN antisense RNA 1; plus strand). Cytogenetic location: 2q31.2.
Variant type: single nucleotide variant.
Coding change: c.103963C>T on transcript NM_001267550.2 (MANE Select); coding-DNA position 103963, C replaced by T.
Protein change: p.Leu34655Phe; replaces leucine 34655 with phenylalanine.
Molecular consequence: missense variant.
Genome position (GRCh38, 1-based): chr2:178,532,652, G>A on the plus strand (C>T on the coding strand, the complement: TTN is on the minus strand). VCF-style: chr2-178532652-G-A. GRCh37 (hg19) VCF-style: chr2-179397379-G-A.
Other names: c.99040C>T, p.Leu33014Phe (NM_001256850.1); c.76768C>T, p.Leu25590Phe (NM_003319.4); c.96259C>T, p.Leu32087Phe (NM_133378.4); c.77143C>T, p.Leu25715Phe (NM_133432.3); c.77344C>T, p.Leu25782Phe (NM_133437.4); short protein forms L25590F, L33014F, L32087F, L25715F, L25782F, L34655F.
Identifiers: ClinVar variation 2937673 (VCV002937673.3), dbSNP rs1205592703, ClinGen allele CA349412852.